The following is an entry in ClinVar:

NM_004369.4(COL6A3):c.7112G>A (p.Gly2371Asp)

Gene: COL6A3 (collagen type VI alpha 3 chain; minus strand). Cytogenetic location: 2q37.3.
Variant type: single nucleotide variant.
Coding change: c.7112G>A on transcript NM_004369.4 (MANE Select); coding-DNA position 7112, G replaced by A.
Protein change: p.Gly2371Asp; replaces glycine 2371 with aspartic acid.
Molecular consequence: missense variant.
Genome position (GRCh38, 1-based): chr2:237,345,194, C>T on the plus strand (G>A on the coding strand, the complement: COL6A3 is on the minus strand). VCF-style: chr2-237345194-C-T. GRCh37 (hg19) VCF-style: chr2-238253837-C-T.
Other names: c.5291G>A, p.Gly1764Asp (NM_057166.5); c.6494G>A, p.Gly2165Asp (NM_057167.4); short protein forms G1764D, G2165D, G2371D.
Identifiers: ClinVar variation 2004634 (VCV002004634.4), dbSNP rs2077073400, ClinGen allele CA351205056.
Genomic context (GRCh38, chr2:237,345,194, plus strand): 5'-CAAAGGCTCATGAGGTTAATGAGTCATTCTGGACACATGCAACTTACATCGATGGAGTCG[C>T]CCCTGTTGCCCTTGGGACCCTGTAAAACCAAGGAACGAAAGGTGAGAGGCACAGCAGATG-3'
Protein context (NP_004360.2, residues 2361-2381): PGPAGPKGNR[Gly2371Asp]DSIDQCALIQ

ClinVar aggregate classification (germline): Uncertain significance (1 of 4 stars; one submission).

Conditions:
Bethlem myopathy 1A. Also called: MYOPATHY, BENIGN CONGENITAL, WITH CONTRACTURES; Bethlem myopathy 1; Bethlem Muscular Dystrophy. Identifiers: Orphanet 610, MedGen CN029274, MONDO:0024530, OMIM 158810.

Allele frequency attached by ClinVar (database versions not stated): gnomAD exomes below 0.00001.
gnomAD v4.1: 1 of 1,614,164 alleles (0.000062%); highest among the groups gnomAD compares: Non-Finnish European, 0.000085%; no homozygotes.

Submission:

Labcorp Genetics (formerly Invitae), Labcorp
Classification: Uncertain significance for Bethlem myopathy 1A. Last evaluated: 2022-06-14. Review status: criteria provided, single submitter. Criteria: Invitae Variant Classification Sherloc (09022015). Collection method: clinical testing. Allele origin: germline.
Comment: This sequence change replaces glycine, which is neutral and non-polar, with aspartic acid, which is acidic and polar, at codon 2371 of the COL6A3 protein (p.Gly2371Asp). This variant is not present in population databases (gnomAD no frequency). This variant has not been reported in the literature in individuals affected with COL6A3-related conditions. Advanced modeling of protein sequence and biophysical properties (such as structural, functional, and spatial information, amino acid conservation, physicochemical variation, residue mobility, and thermodynamic stability) performed at Invitae indicates that this missense variant is expected to disrupt COL6A3 protein function. In summary, the available evidence is currently insufficient to determine the role of this variant in disease. Therefore, it has been classified as a Variant of Uncertain Significance. This variant disrupts the triple helix domain of COL6A3. Glycine residues within the Gly-Xaa-Yaa repeats of the triple helix domain are required for the structure and stability of fibrillar collagens (PMID: 7695699, 8218237, 19344236). In COL6A3, missense variants at these glycine residues are significantly enriched in individuals with autosomal dominant disease (PMID: 15689448, 24038877) compared to the general population (ExAC).

Literature cited by the submitters: PubMed 7695699; PubMed 8218237; PubMed 19344236; PubMed 15689448; PubMed 24038877.